The following is an entry in ClinVar:

NM_000051.4(ATM):c.3154-11T>C

Gene: ATM (ATM serine/threonine kinase; plus strand). Cytogenetic location: 11q22.3.
Variant type: single nucleotide variant.
Coding change: c.3154-11T>C on transcript NM_000051.4 (MANE Select); 11 bases into the intron before coding-DNA position 3154, T replaced by C.
Molecular consequence: intron variant.
Genome position (GRCh38, 1-based): chr11:108,272,711, T>C. VCF-style: chr11-108272711-T-C. GRCh37 (hg19) VCF-style: chr11-108143438-T-C.
Other names: c.3154-11T>C (NM_001351834.2).
Identifiers: ClinVar variation 926825 (VCV000926825.15), dbSNP rs748543045, ClinGen allele CA6265214.

ClinVar aggregate classification (germline): Likely benign. Review status: criteria provided, multiple submitters, no conflicts (2 of 4 stars). 4 submissions from 4 submitters: Likely benign (4). Last evaluated 2025-12-24.

Conditions:
Hereditary cancer-predisposing syndrome. Also called: Tumor predisposition; Hereditary neoplastic syndrome; Neoplastic Syndromes, Hereditary; Hereditary Cancer Syndrome. Identifiers: Orphanet 140162, MedGen C0027672, MeSH D009386, MONDO:0015356.
Ataxia-telangiectasia syndrome (AT). Also called: Ataxia-telangiectasia, complementation group D; Cerebello-oculocutaneous telangiectasia; Immunodeficiency with ataxia telangiectasia; LOUIS-BAR SYNDROME; Ataxia-telangiectasia; AT, COMPLEMENTATION GROUP C. Identifiers: Orphanet 100, MedGen C0004135, MONDO:0008840, OMIM 208900.
Familial cancer of breast. Also called: BREAST CANCER, FAMILIAL; hereditary breast carcinoma; Hereditary breast cancer. Identifiers: Orphanet 227535, MedGen C0346153, MONDO:0016419, OMIM 114480. Disease mechanism: loss of function.

Allele frequency attached by ClinVar (database versions not stated): gnomAD exomes 0.00001 and 0.00002; ExAC 0.00002; gnomAD 0.00002 and 0.00001; TOPMed 0.00002.
gnomAD v4.1: 12 of 1,613,910 alleles (0.00074%); highest among the groups gnomAD compares: South Asian, 0.0066%; no homozygotes.

Submissions (4):

Labcorp Genetics (formerly Invitae), Labcorp
Classification: Likely benign for Ataxia-telangiectasia syndrome. Last evaluated: 2025-12-24. Review status: criteria provided, single submitter. Criteria: Invitae Variant Classification Sherloc (09022015). Collection method: clinical testing. Allele origin: germline.

Myriad Genetics, Inc.
Classification: Likely benign for Familial cancer of breast. Last evaluated: 2024-05-13. Review status: criteria provided, single submitter. Criteria: Myriad Autosomal Dominant, Autosomal Recessive and X-Linked Classification Criteria (2023). Collection method: clinical testing. Allele origin: unknown.
Comment: This variant is considered likely benign. This variant is intronic and is not expected to impact mRNA splicing.

Color Diagnostics, LLC DBA Color Health
Classification: Likely benign for Hereditary cancer-predisposing syndrome. Last evaluated: 2022-05-05. Review status: criteria provided, single submitter. Criteria: ACMG Guidelines, 2015. Collection method: clinical testing. Allele origin: germline.

GeneDx
Classification: Likely benign. Last evaluated: 2019-08-29. Review status: criteria provided, single submitter. Criteria: GeneDx Variant Classification Process June 2021. Collection method: clinical testing. Allele origin: germline. Affected: yes.